The following is an entry in ClinVar:

ClinVar aggregate classification (germline): Likely pathogenic (1 of 4 stars; one submission).

Conditions:
Spinocerebellar ataxia 47 (NEDMSF). Also called: neurodevelopmental disorder with motor abnormalities, seizures, and facial dysmorphism; PADDAS SYNDROME. Identifiers: Orphanet 642747, MedGen C4693672, MONDO:0033482, OMIM 620719.

Submission:

MVZ Medizinische Genetik Mainz
Classification: Likely pathogenic for Spinocerebellar ataxia 47. Last evaluated: 2026-07-03. Review status: criteria provided, single submitter. Criteria: UK Practice Guidelines For Variant Classification V4 01 2020. Collection method: clinical testing. Allele origin: germline. Inheritance: Autosomal dominant inheritance. Affected: yes. Observed: 1 variant allele.
Comment: ACMG Criteria: PVS1,PM2_SUP

NM_001020658.2(PUM1):c.3361C>T (p.Gln1121Ter)

Gene: PUM1 (pumilio RNA binding family member 1; minus strand). Cytogenetic location: 1p35.2.
Variant type: single nucleotide variant.
Coding change: c.3361C>T on transcript NM_001020658.2 (MANE Select); coding-DNA position 3361, C replaced by T.
Protein change: p.Gln1121Ter; replaces glutamine 1121 with a stop codon.
Molecular consequence: nonsense.
Genome position (GRCh38, 1-based): chr1:30,936,717, G>A on the plus strand (C>T on the coding strand, the complement: PUM1 is on the minus strand). VCF-style: chr1-30936717-G-A. GRCh37 (hg19) VCF-style: chr1-31409564-G-A.
Other names: c.3355C>T, p.Gln1119Ter (NM_014676.3); short protein forms Q1119*, Q1121*.
Identifiers: ClinVar variation 5038131 (VCV005038131.1).